The following is an entry in ClinVar:

ClinVar aggregate classification (germline): Uncertain significance. Review status: criteria provided, multiple submitters, no conflicts (2 of 4 stars). 3 submissions from 3 submitters: Uncertain significance (2). 1 of the submissions does not count toward it. Last evaluated 2025-02-05.

Conditions:
B3GAT3-related disorder. Also called: B3GAT3-related condition.
Larsen-like syndrome, B3GAT3 type. Also called: Multiple joint dislocations, short stature, craniofacial dysmorphism, with or without congenital heart defects; MULTIPLE JOINT DISLOCATIONS, SHORT STATURE, AND CRANIOFACIAL DYSMORPHISM WITH OR WITHOUT CONGENITAL HEART DEFECTS. Identifiers: Orphanet 284139, MedGen CN034159, MONDO:0009511, OMIM 245600.
Inborn genetic diseases. Identifiers: MedGen C0950123, MeSH D030342.

Allele frequency attached by ClinVar (database versions not stated): gnomAD exomes below 0.00001; ExAC 0.00001; gnomAD 0.00001; TOPMed 0.00002; ESP Exome Variant Server 0.00008.
gnomAD v4.1: 40 of 1,614,080 alleles (0.0025%); highest among the groups gnomAD compares: Non-Finnish European, 0.0031%; no homozygotes.

Submissions (3):

Ambry Genetics
Classification: Uncertain significance for Inborn genetic diseases. Last evaluated: 2025-02-05. Review status: criteria provided, single submitter. Criteria: Ambry Variant Classification Scheme 2023. Collection method: clinical testing. Allele origin: germline.

Labcorp Genetics (formerly Invitae), Labcorp
Classification: Uncertain significance for Larsen-like syndrome, B3GAT3 type. Last evaluated: 2024-06-03. Review status: criteria provided, single submitter. Criteria: Invitae Variant Classification Sherloc (09022015). Collection method: clinical testing. Allele origin: germline.
Comment: This sequence change replaces valine, which is neutral and non-polar, with isoleucine, which is neutral and non-polar, at codon 190 of the B3GAT3 protein (p.Val190Ile). This variant is present in population databases (rs373463855, gnomAD 0.0009%). This variant has not been reported in the literature in individuals affected with B3GAT3-related conditions. ClinVar contains an entry for this variant (Variation ID: 1500937). Advanced modeling of protein sequence and biophysical properties (such as structural, functional, and spatial information, amino acid conservation, physicochemical variation, residue mobility, and thermodynamic stability) performed at Invitae indicates that this missense variant is not expected to disrupt B3GAT3 protein function with a negative predictive value of 80%. In summary, the available evidence is currently insufficient to determine the role of this variant in disease. Therefore, it has been classified as a Variant of Uncertain Significance.

PreventionGenetics, part of Exact Sciences
Classification: Uncertain significance for B3GAT3-related condition. Last evaluated: 2023-11-16. Review status: no assertion criteria provided. Collection method: clinical testing. Allele origin: germline. Not counted in ClinVar's aggregate classification.
Comment: The B3GAT3 c.568G>A variant is predicted to result in the amino acid substitution p.Val190Ile. To our knowledge, this variant has not been reported in the literature. This variant is reported in 0.00088% of alleles in individuals of European (Non-Finnish) descent in gnomAD. At this time, the clinical significance of this variant is uncertain due to the absence of conclusive functional and genetic evidence.

NM_012200.4(B3GAT3):c.568G>A (p.Val190Ile)

Gene: B3GAT3 (beta-1,3-glucuronyltransferase 3; minus strand). Cytogenetic location: 11q12.3.
Variant type: single nucleotide variant.
Coding change: c.568G>A on transcript NM_012200.4 (MANE Select); coding-DNA position 568, G replaced by A.
Protein change: p.Val190Ile; replaces valine 190 with isoleucine.
Molecular consequence: missense variant. On other transcripts: non-coding transcript variant (1).
Genome position (GRCh38, 1-based): chr11:62,617,037, C>T on the plus strand (G>A on the coding strand, the complement: B3GAT3 is on the minus strand). VCF-style: chr11-62617037-C-T. GRCh37 (hg19) VCF-style: chr11-62384509-C-T.
Other names: c.568G>A (NM_012200.3); c.547G>A, p.Val183Ile (NM_001288721.2); c.568G>A, p.Val190Ile (NM_001288722.2, NM_001288723.2); short protein forms V190I, V183I.
Identifiers: ClinVar variation 1500937 (VCV001500937.9), dbSNP rs373463855, ClinGen allele CA6050089.